The following is an entry in ClinVar:

ClinVar aggregate classification (germline): Uncertain significance (1 of 4 stars; one submission).

Conditions:
Inborn genetic diseases. Identifiers: MedGen C0950123, MeSH D030342.

Submission:

Ambry Genetics
Classification: Uncertain significance for Inborn genetic diseases. Last evaluated: 2022-05-12. Review status: criteria provided, single submitter. Criteria: Ambry Variant Classification Scheme 2023. Collection method: clinical testing. Allele origin: germline.
Comment: The p.T2130R variant (also known as c.6389C>G), located in coding exon 38 of the ATR gene, results from a C to G substitution at nucleotide position 6389. The threonine at codon 2130 is replaced by arginine, an amino acid with similar properties. This amino acid position is conserved. In addition, this alteration is predicted to be tolerated by in silico analysis. Since supporting evidence is limited at this time, the clinical significance of this alteration remains unclear.

NM_001184.4(ATR):c.6389C>G (p.Thr2130Arg)

Gene: ATR (ATR checkpoint kinase; minus strand). Cytogenetic location: 3q23.
Variant type: single nucleotide variant.
Coding change: c.6389C>G on transcript NM_001184.4 (MANE Select); coding-DNA position 6389, C replaced by G.
Protein change: p.Thr2130Arg; replaces threonine 2130 with arginine.
Molecular consequence: missense variant.
Genome position (GRCh38, 1-based): chr3:142,469,500, G>C on the plus strand (C>G on the coding strand, the complement: ATR is on the minus strand). VCF-style: chr3-142469500-G-C. GRCh37 (hg19) VCF-style: chr3-142188342-G-C.
Other names: c.6197C>G, p.Thr2066Arg (NM_001354579.2); short protein forms T2066R, T2130R.
Identifiers: ClinVar variation 1753204 (VCV001753204.2), dbSNP rs2108279373, ClinGen allele CA354805086.
Genomic context (GRCh38, chr3:142,469,500, plus strand): 5'-CAAATTCGAGAGATCAATTGTGAAAAAGCAGTCAAAAATTGATATGGAGCTAAATAGTTT[G>C]TATGCTCTGTGATAACCTTGTTTATTTTACCCAAATCATTCCTCATTTGTACACGATCGG-3'
Protein context (NP_001175.2, residues 2120-2140): GKINKVITEH[Thr2130Arg]NYLAPYQFLT